The following is an entry in ClinVar:

ClinVar aggregate classification (germline): Uncertain significance (1 of 4 stars; one submission).

Conditions:
Cortical dysplasia-focal epilepsy syndrome (PTHSL1). Also called: Pitt-Hopkins-like syndrome 1. Identifiers: Orphanet 163681, Orphanet 221150, MedGen C2750246, MONDO:0012400, OMIM 610042.

Submission:

Labcorp Genetics (formerly Invitae), Labcorp
Classification: Uncertain significance for Cortical dysplasia-focal epilepsy syndrome. Last evaluated: 2021-08-24. Review status: criteria provided, single submitter. Criteria: Invitae Variant Classification Sherloc (09022015). Collection method: clinical testing. Allele origin: germline.
Comment: This sequence change replaces histidine with tyrosine at codon 274 of the CNTNAP2 protein (p.His274Tyr). The histidine residue is weakly conserved and there is a moderate physicochemical difference between histidine and tyrosine. This variant is not present in population databases (ExAC no frequency). This variant has not been reported in the literature in individuals affected with CNTNAP2-related conditions. Algorithms developed to predict the effect of missense changes on protein structure and function (SIFT, PolyPhen-2, Align-GVGD) all suggest that this variant is likely to be tolerated. In summary, the available evidence is currently insufficient to determine the role of this variant in disease. Therefore, it has been classified as a Variant of Uncertain Significance.

NM_014141.6(CNTNAP2):c.820C>T (p.His274Tyr)

Gene: CNTNAP2 (contactin associated protein 2; plus strand). Cytogenetic location: 7q35.
Variant type: single nucleotide variant.
Coding change: c.820C>T on transcript NM_014141.6 (MANE Select); coding-DNA position 820, C replaced by T.
Protein change: p.His274Tyr; replaces histidine 274 with tyrosine.
Molecular consequence: missense variant.
Genome position (GRCh38, 1-based): chr7:147,121,044, C>T. VCF-style: chr7-147121044-C-T. GRCh37 (hg19) VCF-style: chr7-146818136-C-T.
Other names: short protein forms H274Y.
Identifiers: ClinVar variation 1495952 (VCV001495952.5), dbSNP rs2129282716, ClinGen allele CA369923847.